The following is an entry in ClinVar:

ClinVar aggregate classification (germline): Pathogenic (1 of 4 stars; one submission).

Conditions:
Combined immunodeficiency due to LRBA deficiency. Also called: Common variable immunodeficiency 8, with autoimmunity. Identifiers: Orphanet 445018, MedGen C3553512, MONDO:0013863, OMIM 614700.

Submission:

Labcorp Genetics (formerly Invitae), Labcorp
Classification: Pathogenic for Combined immunodeficiency due to LRBA deficiency. Last evaluated: 2024-05-31. Review status: criteria provided, single submitter. Criteria: Invitae Variant Classification Sherloc (09022015). Collection method: clinical testing. Allele origin: germline.
Comment: This sequence change creates a premature translational stop signal (p.Glu402Valfs*41) in the LRBA gene. It is expected to result in an absent or disrupted protein product. Loss-of-function variants in LRBA are known to be pathogenic (PMID: 26206937, 26768763). This variant is not present in population databases (gnomAD no frequency). This variant has not been reported in the literature in individuals affected with LRBA-related conditions. For these reasons, this variant has been classified as Pathogenic.

Literature cited by the submitters: PubMed 26206937; PubMed 26768763.

NM_001364905.1(LRBA):c.1205_1244del (p.Glu402fs)

Gene: LRBA (LPS responsive beige-like anchor protein; minus strand). Cytogenetic location: 4q31.3.
Variant type: Deletion.
Coding change: c.1205_1244del on transcript NM_001364905.1 (MANE Select); coding-DNA positions 1205 to 1244, 40 bases deleted.
Protein change: p.Glu402fs; shifts the reading frame from glutamic acid 402.
Molecular consequence: frameshift variant.
Genome position (GRCh38, 1-based): chr4:150,908,775-150,908,814, 40 bases deleted; deleting any 40 consecutive bases within chr4:150,908,775-150,908,815 gives the same sequence; the c. name uses the placement nearest the transcript's 3' end. GRCh37 (hg19): chr4:151,829,928-151,829,967.
Other names: c.1204_1243del40, p.Glu402Valfs (NM_001199282.3, NM_006726.5); c.1205_1244del, p.Glu402fs (NM_001367550.1); short protein forms E402fs.
Identifiers: ClinVar variation 3655186 (VCV003655186.2).